The following is an entry in ClinVar:

NM_006204.4(PDE6C):c.1293del (p.Trp431fs)

Gene: PDE6C (phosphodiesterase 6C; plus strand). Cytogenetic location: 10q23.33.
Variant type: Deletion.
Coding change: c.1293del on transcript NM_006204.4 (MANE Select); coding-DNA position 1293, one base deleted (G; older notation c.1293delG).
Protein change: p.Trp431fs; shifts the reading frame from tryptophan 431.
Molecular consequence: frameshift variant.
Genome position (GRCh38, 1-based): chr10:93,635,520, G deleted; the last of 2 consecutive G bases (chr10:93,635,519-93,635,520); deleting either gives the same sequence. VCF-style (leftmost placement, unchanged base first): chr10-93635518-TG-T. GRCh37 (hg19) VCF-style: chr10-95395275-TG-T.
Other names: short protein forms W431fs.
Identifiers: ClinVar variation 2116444 (VCV002116444.4), dbSNP rs2492526210, ClinGen allele CA2580082478.
Genomic context (GRCh38, chr10:93,635,518, plus strand): 5'-TCACTGAAGAGAATTAGAATCACCTTTTATCCATTTCAGACTCTCACACAATTTCTTGGA[TG>T]GTCTCTTTTAAATACTGACACCTACGATAAGATGAATAAGCTAGAAAACAGAAAGGACAT-3'

ClinVar aggregate classification (germline): Pathogenic (1 of 4 stars; one submission).

Submission:

Labcorp Genetics (formerly Invitae), Labcorp
Classification: Pathogenic. Last evaluated: 2022-10-17. Review status: criteria provided, single submitter. Criteria: Invitae Variant Classification Sherloc (09022015). Collection method: clinical testing. Allele origin: germline.
Comment: This sequence change creates a premature translational stop signal (p.Trp431Cysfs*4) in the PDE6C gene. It is expected to result in an absent or disrupted protein product. Loss-of-function variants in PDE6C are known to be pathogenic (PMID: 19887631, 23776498, 26103963, 30080950). This variant is not present in population databases (gnomAD no frequency). This variant has not been reported in the literature in individuals affected with PDE6C-related conditions. For these reasons, this variant has been classified as Pathogenic.

Literature cited by the submitters: PubMed 19887631; PubMed 23776498; PubMed 26103963; PubMed 30080950.